The following is an entry in ClinVar:

NM_006204.4(PDE6C):c.1434T>A (p.Asn478Lys)

Gene: PDE6C (phosphodiesterase 6C; plus strand). Cytogenetic location: 10q23.33.
Variant type: single nucleotide variant.
Coding change: c.1434T>A on transcript NM_006204.4 (MANE Select); coding-DNA position 1434, T replaced by A.
Protein change: p.Asn478Lys; replaces asparagine 478 with lysine.
Molecular consequence: missense variant.
Genome position (GRCh38, 1-based): chr10:93,637,015, T>A. VCF-style: chr10-93637015-T-A. GRCh37 (hg19) VCF-style: chr10-95396772-T-A.
Other names: short protein forms N478K.
Identifiers: ClinVar variation 2983480 (VCV002983480.4), dbSNP rs760921285, ClinGen allele CA5610188.
Genomic context (GRCh38, chr10:93,637,015, plus strand): 5'-CCTTTAGGAATTTCACACCTCAATTGCTTTTACATTTTAGAAATTTCAAGAGAAGTTAAA[T>A]GTTGATGTAATTGACGACTGTGAAGAAAAACAACTTGTTGCAATTTTGGTAAGTGTTTTC-3'
Protein context (NP_006195.3, residues 468-488): KSILKFQEKL[Asn478Lys]VDVIDDCEEK

ClinVar aggregate classification (germline): Uncertain significance. Review status: criteria provided, multiple submitters, no conflicts (2 of 4 stars). 2 submissions from 2 submitters: Uncertain significance (2). Last evaluated 2023-12-21.

Allele frequency attached by ClinVar (database versions not stated): gnomAD exomes below 0.00001; ExAC 0.00001.
gnomAD v4.1: 3 of 1,601,770 alleles (0.00019%); highest among the groups gnomAD compares: South Asian, 0.0033%; no homozygotes.

Submissions (2):

Labcorp Genetics (formerly Invitae), Labcorp
Classification: Uncertain significance. Last evaluated: 2023-12-21. Review status: criteria provided, single submitter. Criteria: Invitae Variant Classification Sherloc (09022015). Collection method: clinical testing. Allele origin: germline.
Comment: This sequence change replaces asparagine, which is neutral and polar, with lysine, which is basic and polar, at codon 478 of the PDE6C protein (p.Asn478Lys). This variant is present in population databases (rs760921285, gnomAD 0.003%). This variant has not been reported in the literature in individuals affected with PDE6C-related conditions. An algorithm developed to predict the effect of missense changes on protein structure and function (PolyPhen-2) suggests that this variant is likely to be tolerated. In summary, the available evidence is currently insufficient to determine the role of this variant in disease. Therefore, it has been classified as a Variant of Uncertain Significance.

Blueprint Genetics
Classification: Uncertain significance. Last evaluated: 2017-11-13. Review status: criteria provided, single submitter. Criteria: ACMG Guidelines, 2015. Collection method: clinical testing. Allele origin: germline.